The following is an entry in ClinVar:

NM_001039141.3(TRIOBP):c.4935A>G (p.Ala1645=)

Gene: TRIOBP (TRIO and F-actin binding protein; plus strand). Cytogenetic location: 22q13.1.
Variant type: single nucleotide variant.
Coding change: c.4935A>G on transcript NM_001039141.3 (MANE Select); coding-DNA position 4935, A replaced by G.
Protein change: p.Ala1645=; no amino-acid change (alanine 1645 retained).
Molecular consequence: synonymous variant.
Genome position (GRCh38, 1-based): chr22:37,735,271, A>G. VCF-style: chr22-37735271-A-G. GRCh37 (hg19) VCF-style: chr22-38131278-A-G.
Identifiers: ClinVar variation 165596 (VCV000165596.14), dbSNP rs371078565, ClinGen allele CA178335.

ClinVar aggregate classification (germline): Likely benign. Review status: criteria provided, multiple submitters, no conflicts (2 of 4 stars). 3 submissions from 3 submitters: Likely benign (3). Last evaluated 2025-07-27.

Allele frequency attached by ClinVar (database versions not stated): gnomAD 0.00019 and 0.00020; gnomAD exomes 0.00023 and 0.00033; TOPMed 0.00027; ExAC 0.00032; ESP Exome Variant Server 0.00047.
gnomAD v4.1: 499 of 1,609,182 alleles (0.031%); highest among the groups gnomAD compares: Non-Finnish European, 0.041%; 1 homozygote.

Submissions (3):

Labcorp Genetics (formerly Invitae), Labcorp
Classification: Likely benign. Last evaluated: 2025-07-27. Review status: criteria provided, single submitter. Criteria: Invitae Variant Classification Sherloc (09022015). Collection method: clinical testing. Allele origin: germline.

Blueprint Genetics
Classification: Likely benign. Last evaluated: 2024-05-31. Review status: criteria provided, single submitter. Criteria: ACMG Guidelines, 2015. Collection method: clinical testing. Allele origin: germline.

Laboratory for Molecular Medicine, Mass General Brigham Personalized Medicine
Classification: Likely benign. Last evaluated: 2016-10-06. Review status: criteria provided, single submitter. Criteria: LMM Criteria. Collection method: clinical testing. Allele origin: germline. Observed: 2 variant alleles.
Comment: p.Ala1645Ala in exon 09 of TRIOBP: This variant is not expected to have clinical significance because it does not alter an amino acid residue, is not located wi thin the splice consensus sequence, and has been identified in 36/65176 European chromosomes by the Exome Aggregation Consortium (ExAC; dbSNP rs371078565).